The following is an entry in ClinVar:

NM_014270.5(SLC7A9):c.1225-8G>A

Gene: SLC7A9 (solute carrier family 7 member 9; minus strand). Cytogenetic location: 19q13.11.
Variant type: single nucleotide variant.
Coding change: c.1225-8G>A on transcript NM_014270.5 (MANE Select); 8 bases into the intron before coding-DNA position 1225, G replaced by A.
Molecular consequence: intron variant.
Genome position (GRCh38, 1-based): chr19:32,833,331, C>T on the plus strand (G>A on the coding strand, the complement: SLC7A9 is on the minus strand). VCF-style: chr19-32833331-C-T. GRCh37 (hg19) VCF-style: chr19-33324237-C-T.
Other names: p.?; c.1225-8G>A (NM_001126335.2, NM_001243036.2).
Identifiers: ClinVar variation 328745 (VCV000328745.7), dbSNP rs374629909, ClinGen allele CA9358452.

ClinVar aggregate classification (germline): Conflicting classifications of pathogenicity. Review status: criteria provided, conflicting classifications (1 of 4 stars). 3 submissions from 3 submitters: Uncertain significance (1); Likely benign (2). Last evaluated 2025-07-16.

Conditions:
Cystinuria (CSNU). Also called: CYSTINURIA, TYPE I; CYSTINURIA, TYPE II; CYSTINURIA, TYPE III; Cystinuria, non-type I. Identifiers: Orphanet 214, MedGen C0010691, MONDO:0009067, OMIM 220100, HP:0003131.
SLC7A9-related disorder. Also called: SLC7A9-related condition.

Allele frequency attached by ClinVar (database versions not stated): gnomAD 0.00001 and 0.00002; TOPMed 0.00002; gnomAD exomes 0.00007 and 0.00008; ESP Exome Variant Server 0.00008; ExAC 0.00011.
gnomAD v4.1: 101 of 1,613,654 alleles (0.0063%); highest among the groups gnomAD compares: South Asian, 0.083%; 2 homozygotes.

Submissions (3):

PreventionGenetics, part of Exact Sciences
Classification: Likely benign for SLC7A9-related condition. Last evaluated: 2025-07-16. Review status: criteria provided, single submitter. Criteria: ACMG Guidelines, 2015. Collection method: clinical testing. Allele origin: germline.
Comment: This variant is classified as likely benign based on ACMG/AMP sequence variant interpretation guidelines (Richards et al. 2015 PMID: 25741868, with internal and published modifications).

Mayo Clinic Laboratories, Mayo Clinic
Classification: Likely benign. Last evaluated: 2025-07-15. Review status: criteria provided, single submitter. Criteria: ACMG Guidelines, 2015. Collection method: clinical testing. Allele origin: germline. Observed: 1 variant allele.
Comment: BP4, BP7

Illumina Laboratory Services, Illumina
Classification: Uncertain significance for Cystinuria. Last evaluated: 2018-01-13. Review status: criteria provided, single submitter. Criteria: ICSL Variant Classification Criteria 13 December 2019. Collection method: clinical testing. Allele origin: germline.